The following is an entry in ClinVar:

NM_002227.4(JAK1):c.3257C>G (p.Ala1086Gly)

Gene: JAK1 (Janus kinase 1; minus strand). Cytogenetic location: 1p31.3.
Variant type: single nucleotide variant.
Coding change: c.3257C>G on transcript NM_002227.4 (MANE Select); coding-DNA position 3257, C replaced by G.
Protein change: p.Ala1086Gly; replaces alanine 1086 with glycine.
Molecular consequence: missense variant.
Genome position (GRCh38, 1-based): chr1:64,836,099, G>C on the plus strand (C>G on the coding strand, the complement: JAK1 is on the minus strand). VCF-style: chr1-64836099-G-C. GRCh37 (hg19) VCF-style: chr1-65301782-G-C.
Other names: c.3257C>G, p.Ala1086Gly (NM_001320923.2, NM_001321852.2, NM_001321853.2 and 3 more transcripts); c.3254C>G, p.Ala1085Gly (NM_001321857.2); short protein forms A1085G, A1086G.
Identifiers: ClinVar variation 3632521 (VCV003632521.2).

ClinVar aggregate classification (germline): Uncertain significance (1 of 4 stars; one submission).

gnomAD v4.1: 2 of 1,556,234 alleles (0.00013%); highest among the groups gnomAD compares: Non-Finnish European, 0.00018%; no homozygotes.

Submission:

Labcorp Genetics (formerly Invitae), Labcorp
Classification: Uncertain significance. Last evaluated: 2025-04-10. Review status: criteria provided, single submitter. Criteria: Invitae Variant Classification Sherloc (09022015). Collection method: clinical testing. Allele origin: germline.
Comment: This sequence change replaces alanine, which is neutral and non-polar, with glycine, which is neutral and non-polar, at codon 1086 of the JAK1 protein (p.Ala1086Gly). This variant is not present in population databases (gnomAD no frequency). This variant has not been reported in the literature in individuals affected with JAK1-related conditions. ClinVar contains an entry for this variant (Variation ID: 3632521). An algorithm developed to predict the effect of missense changes on protein structure and function (PolyPhen-2) suggests that this variant is likely to be tolerated. Algorithms developed to predict the effect of sequence changes on RNA splicing suggest that this variant may disrupt the consensus splice site. In summary, the available evidence is currently insufficient to determine the role of this variant in disease. Therefore, it has been classified as a Variant of Uncertain Significance.